The following is an entry in ClinVar:

NM_019888.3(MC3R):c.151G>T (p.Val51Phe)

Gene: MC3R (melanocortin 3 receptor; plus strand). Cytogenetic location: 20q13.2.
Variant type: single nucleotide variant.
Coding change: c.151G>T on transcript NM_019888.3 (MANE Select); coding-DNA position 151, G replaced by T.
Protein change: p.Val51Phe; replaces valine 51 with phenylalanine.
Molecular consequence: missense variant.
Genome position (GRCh38, 1-based): chr20:56,248,994, G>T. VCF-style: chr20-56248994-G-T. GRCh37 (hg19) VCF-style: chr20-54824050-G-T.
Other names: short protein forms V51F.
Identifiers: ClinVar variation 2992659 (VCV002992659.4), dbSNP rs779705192, ClinGen allele CA409694005.
Genomic context (GRCh38, chr20:56,248,994, plus strand): 5'-AGCAGCGCCTTCTGTGAGCAGGTCTTCATCAAGCCCGAGGTTTTCCTGTCTCTGGGCATC[G>T]TCAGTCTGCTGGAAAACATCCTGGTTATCCTGGCCGTGGTCAGGAACGGCAACCTGCACT-3'
Protein context (NP_063941.3, residues 41-61): KPEVFLSLGI[Val51Phe]SLLENILVIL

ClinVar aggregate classification (germline): Uncertain significance. Review status: criteria provided, multiple submitters, no conflicts (2 of 4 stars). 2 submissions from 2 submitters: Uncertain significance (2). Last evaluated 2024-10-24.

Conditions:
MC3R-related disorder. Also called: MC3R-related condition.

Submissions (2):

PreventionGenetics, part of Exact Sciences
Classification: Uncertain significance for MC3R-related condition. Last evaluated: 2024-10-24. Review status: criteria provided, single submitter. Criteria: ACMG Guidelines, 2015. Collection method: clinical testing. Allele origin: germline.
Comment: The MC3R c.151G>T variant is predicted to result in the amino acid substitution p.Val51Phe. To our knowledge, this variant has not been reported in the literature. This variant is reported in 0.0018% of alleles in individuals of European (Non-Finnish) descent in gnomAD. At this time, the clinical significance of this variant is uncertain due to the absence of conclusive functional and genetic evidence.

Labcorp Genetics (formerly Invitae), Labcorp
Classification: Uncertain significance. Last evaluated: 2023-08-01. Review status: criteria provided, single submitter. Criteria: Invitae Variant Classification Sherloc (09022015). Collection method: clinical testing. Allele origin: germline.
Comment: In summary, the available evidence is currently insufficient to determine the role of this variant in disease. Therefore, it has been classified as a Variant of Uncertain Significance. An algorithm developed to predict the effect of missense changes on protein structure and function (PolyPhen-2) suggests that this variant is likely to be disruptive. This variant has not been reported in the literature in individuals affected with MC3R-related conditions. This variant is present in population databases (no rsID available, gnomAD 0.002%). This sequence change replaces valine, which is neutral and non-polar, with phenylalanine, which is neutral and non-polar, at codon 51 of the MC3R protein (p.Val51Phe).